The following is an entry in ClinVar:

ClinVar aggregate classification (germline): Uncertain significance. Review status: criteria provided, multiple submitters, no conflicts (2 of 4 stars). 3 submissions from 3 submitters: Uncertain significance (3). Last evaluated 2025-12-18.

Conditions:
Inborn genetic diseases. Identifiers: MedGen C0950123, MeSH D030342.
Sulfite oxidase deficiency due to molybdenum cofactor deficiency type A. Also called: Molybdenum cofactor deficiency, complementation group A; Molybdenum Cofactor Deficiency A. Identifiers: Orphanet 308386, Orphanet 833, MedGen C1854988, MONDO:0009643, OMIM 252150.

Allele frequency attached by ClinVar (database versions not stated): ExAC 0.00001; gnomAD 0.00001; gnomAD exomes 0.00002 and 0.00005; TOPMed 0.00004; ESP Exome Variant Server 0.00008.
gnomAD v4.1: 69 of 1,612,706 alleles (0.0043%); highest among the groups gnomAD compares: Non-Finnish European, 0.0058%; no homozygotes.

Submissions (3):

Labcorp Genetics (formerly Invitae), Labcorp
Classification: Uncertain significance for Sulfite oxidase deficiency due to molybdenum cofactor deficiency type A. Last evaluated: 2025-12-18. Review status: criteria provided, single submitter. Criteria: Invitae Variant Classification Sherloc (09022015). Collection method: clinical testing. Allele origin: germline.
Comment: This sequence change replaces valine, which is neutral and non-polar, with alanine, which is neutral and non-polar, at codon 115 of the MOCS1 protein (p.Val115Ala). This variant is present in population databases (rs372613479, gnomAD 0.006%). This variant has not been reported in the literature in individuals affected with MOCS1-related conditions. ClinVar contains an entry for this variant (Variation ID: 1054315). An algorithm developed to predict the effect of missense changes on protein structure and function (PolyPhen-2) suggests that this variant is likely to be tolerated. In summary, the available evidence is currently insufficient to determine the role of this variant in disease. Therefore, it has been classified as a Variant of Uncertain Significance.

Ambry Genetics
Classification: Uncertain significance for Inborn genetic diseases. Last evaluated: 2025-08-26. Review status: criteria provided, single submitter. Criteria: Ambry Variant Classification Scheme 2023. Collection method: clinical testing. Allele origin: germline.

Fulgent Genetics
Classification: Uncertain significance for Sulfite oxidase deficiency due to molybdenum cofactor deficiency type A. Last evaluated: 2024-06-20. Review status: criteria provided, single submitter. Criteria: ACMG Guidelines, 2015. Collection method: clinical testing. Allele origin: germline.

NM_001358530.2(MOCS1):c.344T>C (p.Val115Ala)

Gene: MOCS1 (molybdenum cofactor synthesis 1; minus strand). Cytogenetic location: 6p21.2.
Variant type: single nucleotide variant.
Coding change: c.344T>C on transcript NM_001358530.2 (MANE Select); coding-DNA position 344, T replaced by C.
Protein change: p.Val115Ala; replaces valine 115 with alanine.
Molecular consequence: missense variant. On other transcripts: non-coding transcript variant (1).
Genome position (GRCh38, 1-based): chr6:39,925,752, A>G on the plus strand (T>C on the coding strand, the complement: MOCS1 is on the minus strand). VCF-style: chr6-39925752-A-G. GRCh37 (hg19) VCF-style: chr6-39893496-A-G.
Other names: c.344T>C, p.Val115Ala (NM_001075098.4, NM_001358529.2, NM_005943.6); c.83T>C, p.Val28Ala (NM_001358531.2, NM_001358533.2, NM_001358534.2); c.344T>C (NM_005943.5); short protein forms V115A, V28A.
Identifiers: ClinVar variation 1054315 (VCV001054315.9), dbSNP rs372613479, ClinGen allele CA3796336.